The following is an entry in ClinVar:

ClinVar aggregate classification (germline): Uncertain significance (1 of 4 stars; one submission).

Submission:

Labcorp Genetics (formerly Invitae), Labcorp
Classification: Uncertain significance. Last evaluated: 2022-10-18. Review status: criteria provided, single submitter. Criteria: Invitae Variant Classification Sherloc (09022015). Collection method: clinical testing. Allele origin: germline.
Comment: This sequence change falls in intron 10 of the DIP2C gene. It does not directly change the encoded amino acid sequence of the DIP2C protein. It affects a nucleotide within the consensus splice site. In summary, the available evidence is currently insufficient to determine the role of this variant in disease. Therefore, it has been classified as a Variant of Uncertain Significance. Variants that disrupt the consensus splice site are a relatively common cause of aberrant splicing (PMID: 17576681, 9536098). Algorithms developed to predict the effect of sequence changes on RNA splicing suggest that this variant is not likely to affect RNA splicing. This variant has not been reported in the literature in individuals affected with DIP2C-related conditions. This variant is present in population databases (rs753654198, gnomAD 0.0009%).

Literature cited by the submitters: PubMed 17576681; PubMed 9536098.

NM_014974.3(DIP2C):c.1260+6del

Gene: DIP2C (DIP2 acetate--CoA ligase C (putative); minus strand). Cytogenetic location: 10p15.3.
Variant type: Deletion.
Coding change: c.1260+6del on transcript NM_014974.3 (MANE Select); 6 bases into the intron after coding-DNA position 1260, one base deleted (G; older notation c.1260+6delG).
Molecular consequence: intron variant.
Genome position (GRCh38, 1-based): chr10:399,103, C deleted on the plus strand (G on the coding strand, the reverse complement: DIP2C is on the minus strand); the first of 2 consecutive C bases (chr10:399,103-399,104); deleting either gives the same sequence. VCF-style (leftmost placement, unchanged base first): chr10-399102-TC-T. GRCh37 (hg19) VCF-style: chr10-445042-TC-T.
Identifiers: ClinVar variation 1942192 (VCV001942192.5), dbSNP rs753654198, ClinGen allele CA5381000.